The following is an entry in ClinVar:

ClinVar aggregate classification (germline): Uncertain significance (1 of 4 stars; one submission).

Conditions:
Shprintzen-Goldberg syndrome (SGS). Also called: SHPRINTZEN-GOLDBERG CRANIOSYNOSTOSIS SYNDROME; CRANIOSYNOSTOSIS WITH ARACHNODACTYLY AND ABDOMINAL HERNIAS; Marfanoid disorder with craniosynostosis type 1; Marfanoid craniosynostosis syndrome; Shprintzen-Goldberg marfanoid syndrome. Identifiers: Orphanet 2462, MedGen C1321551, MONDO:0008426, OMIM 182212.

Submission:

Labcorp Genetics (formerly Invitae), Labcorp
Classification: Uncertain significance for Shprintzen-Goldberg syndrome. Last evaluated: 2021-10-16. Review status: criteria provided, single submitter. Criteria: Invitae Variant Classification Sherloc (09022015). Collection method: clinical testing. Allele origin: germline.
Comment: This sequence change replaces tyrosine with cysteine at codon 291 of the SKI protein (p.Tyr291Cys). The tyrosine residue is moderately conserved and there is a large physicochemical difference between tyrosine and cysteine. This variant is not present in population databases (ExAC no frequency). This variant has not been reported in the literature in individuals affected with SKI-related conditions. Advanced modeling of protein sequence and biophysical properties (such as structural, functional, and spatial information, amino acid conservation, physicochemical variation, residue mobility, and thermodynamic stability) performed at Invitae indicates that this missense variant is expected to disrupt SKI protein function. In summary, the available evidence is currently insufficient to determine the role of this variant in disease. Therefore, it has been classified as a Variant of Uncertain Significance.

NM_003036.4(SKI):c.872A>G (p.Tyr291Cys)

Gene: SKI (SKI proto-oncogene; plus strand). Cytogenetic location: 1p36.33.
Variant type: single nucleotide variant.
Coding change: c.872A>G on transcript NM_003036.4 (MANE Select); coding-DNA position 872, A replaced by G.
Protein change: p.Tyr291Cys; replaces tyrosine 291 with cysteine.
Molecular consequence: missense variant.
Genome position (GRCh38, 1-based): chr1:2,229,638, A>G. VCF-style: chr1-2229638-A-G. GRCh37 (hg19) VCF-style: chr1-2161077-A-G.
Other names: short protein forms Y291C.
Identifiers: ClinVar variation 1387532 (VCV001387532.6), dbSNP rs1638585706, ClinGen allele CA337956201.